The following is an entry in ClinVar:

NM_004320.6(ATP2A1):c.58G>A (p.Glu20Lys)

Gene: ATP2A1 (ATPase sarcoplasmic/endoplasmic reticulum Ca2+ transporting 1; plus strand). Cytogenetic location: 16p11.2.
Variant type: single nucleotide variant.
Coding change: c.58G>A on transcript NM_004320.6 (MANE Select); coding-DNA position 58, G replaced by A.
Protein change: p.Glu20Lys; replaces glutamic acid 20 with lysine.
Molecular consequence: missense variant.
Genome position (GRCh38, 1-based): chr16:28,878,729, G>A. VCF-style: chr16-28878729-G-A. GRCh37 (hg19) VCF-style: chr16-28890050-G-A.
Other names: c.58G>A (NM_173201.4); c.58G>A, p.Glu20Lys (NM_173201.5); short protein forms E20K.
Identifiers: ClinVar variation 1933810 (VCV001933810.5), dbSNP rs1027940672, ClinGen allele CA279225670.
Genomic context (GRCh38, chr16:28,878,729, plus strand): 5'-ACAATGGAGGCCGCTCATGCTAAAACCACGGAGGAATGTTTGGCCTATTTTGGGGTGAGT[G>A]AGACCACGGGCCTCACCCCGGACCAAGTTAAGCGGAATCTGGAGAAATACGGCCTCAATG-3'
Protein context (NP_004311.1, residues 10-30): EECLAYFGVS[Glu20Lys]TTGLTPDQVK

ClinVar aggregate classification (germline): Uncertain significance. Review status: criteria provided, multiple submitters, no conflicts (2 of 4 stars). 2 submissions from 2 submitters: Uncertain significance (2). Last evaluated 2022-05-23.

Conditions:
Brody myopathy. Also called: BRODY DISEASE. Identifiers: Orphanet 53347, MedGen C1832918, MONDO:0010977, OMIM 601003.

Allele frequency attached by ClinVar (database versions not stated): gnomAD 0.00003; TOPMed 0.00003.
gnomAD v4.1: 96 of 1,612,990 alleles (0.006%); highest among the groups gnomAD compares: Non-Finnish European, 0.0077%; no homozygotes.

Submissions (2):

Labcorp Genetics (formerly Invitae), Labcorp
Classification: Uncertain significance for Brody myopathy. Last evaluated: 2022-05-23. Review status: criteria provided, single submitter. Criteria: Invitae Variant Classification Sherloc (09022015). Collection method: clinical testing. Allele origin: germline.
Comment: This sequence change replaces glutamic acid, which is acidic and polar, with lysine, which is basic and polar, at codon 20 of the ATP2A1 protein (p.Glu20Lys). This variant is present in population databases (no rsID available, gnomAD 0.004%). This variant has not been reported in the literature in individuals affected with ATP2A1-related conditions. Algorithms developed to predict the effect of missense changes on protein structure and function are either unavailable or do not agree on the potential impact of this missense change (SIFT: "Tolerated"; PolyPhen-2: "Probably Damaging"; Align-GVGD: "Class C0"). Algorithms developed to predict the effect of sequence changes on RNA splicing suggest that this variant may create or strengthen a splice site. In summary, the available evidence is currently insufficient to determine the role of this variant in disease. Therefore, it has been classified as a Variant of Uncertain Significance.

Revvity Omics, Revvity
Classification: Uncertain significance for Brody myopathy. Last evaluated: 2020-06-05. Review status: criteria provided, single submitter. Criteria: ACMG Guidelines, 2015. Collection method: clinical testing. Allele origin: germline.